The following is an entry in ClinVar:

NM_006904.7(PRKDC):c.836C>G (p.Ala279Gly)

Gene: PRKDC (protein kinase, DNA-activated, catalytic subunit; minus strand). Cytogenetic location: 8q11.21.
Variant type: single nucleotide variant.
Coding change: c.836C>G on transcript NM_006904.7 (MANE Select); coding-DNA position 836, C replaced by G.
Protein change: p.Ala279Gly; replaces alanine 279 with glycine.
Molecular consequence: missense variant.
Genome position (GRCh38, 1-based): chr8:47,943,339, G>C on the plus strand (C>G on the coding strand, the complement: PRKDC is on the minus strand). VCF-style: chr8-47943339-G-C. GRCh37 (hg19) VCF-style: chr8-48855899-G-C.
Other names: c.836C>G, p.Ala279Gly (NM_001081640.2); short protein forms A279G.
Identifiers: ClinVar variation 1763110 (VCV001763110.2), dbSNP rs1234924738, ClinGen allele CA371136269.

ClinVar aggregate classification (germline): Uncertain significance (1 of 4 stars; one submission).

Submission:

Ambry Genetics
Classification: Uncertain significance. Last evaluated: 2022-02-15. Review status: criteria provided, single submitter. Criteria: Ambry Variant Classification Scheme 2023. Collection method: clinical testing. Allele origin: germline.
Comment: The p.A279G variant (also known as c.836C>G), located in coding exon 10 of the PRKDC gene, results from a C to G substitution at nucleotide position 836. The alanine at codon 279 is replaced by glycine, an amino acid with similar properties. This amino acid position is conserved. In addition, the in silico prediction for this alteration is inconclusive. Since supporting evidence is limited at this time, the clinical significance of this alteration remains unclear.